The following is an entry in ClinVar:

NM_024422.6(DSC2):c.942+5C>T

Gene: DSC2 (desmocollin 2; minus strand). Cytogenetic location: 18q12.1.
Variant type: single nucleotide variant.
Coding change: c.942+5C>T on transcript NM_024422.6 (MANE Select); 5 bases into the intron after coding-DNA position 942, C replaced by T.
Molecular consequence: intron variant.
Genome position (GRCh38, 1-based): chr18:31,086,571, G>A on the plus strand (C>T on the coding strand, the complement: DSC2 is on the minus strand). VCF-style: chr18-31086571-G-A. GRCh37 (hg19) VCF-style: chr18-28666534-G-A.
Other names: c.942+5C>T (NM_004949.5).
Identifiers: ClinVar variation 1482351 (VCV001482351.6), dbSNP rs2144830111, ClinGen allele CA2573155208.
Genomic context (GRCh38, chr18:31,086,571, plus strand): 5'-CAGGAGTTATACAGGTACTATTGAATAGCCACGTTATAATCAGGTTTTATTAATGTTTAT[G>A]TTACCTCTCTGTCTAGCTGAGATGATGTTGTGGTGATCACGCCTGTAGTTGGATGCATAG-3'

ClinVar aggregate classification (germline): Uncertain significance (1 of 4 stars; one submission).

Conditions:
Arrhythmogenic right ventricular dysplasia 11. Also called: Arrhythmogenic right ventricular dysplasia 11 with mild palmoplantar keratoderma and woolly hair; Arrhythmogenic Right Ventricular Dysplasia/Cardiomyopathy11; ARRHYTHMOGENIC RIGHT VENTRICULAR DYSPLASIA, FAMILIAL, 11. Identifiers: MedGen C1864850, MONDO:0012506, OMIM 610476.

Submission:

Labcorp Genetics (formerly Invitae), Labcorp
Classification: Uncertain significance for Arrhythmogenic right ventricular dysplasia 11. Last evaluated: 2021-04-23. Review status: criteria provided, single submitter. Criteria: Invitae Variant Classification Sherloc (09022015). Collection method: clinical testing. Allele origin: germline.
Comment: In summary, the available evidence is currently insufficient to determine the role of this variant in disease. Therefore, it has been classified as a Variant of Uncertain Significance. Nucleotide substitutions within the consensus splice site are a relatively common cause of aberrant splicing (PMID: 17576681, 9536098). Algorithms developed to predict the effect of sequence changes on RNA splicing suggest that this variant is not likely to affect RNA splicing, but this prediction has not been confirmed by published transcriptional studies. This variant has not been reported in the literature in individuals with DSC2-related conditions. This variant is not present in population databases (ExAC no frequency). This sequence change falls in intron 7 of the DSC2 gene. It does not directly change the encoded amino acid sequence of the DSC2 protein. It affects a nucleotide within the consensus splice site of the intron.

Literature cited by the submitters: PubMed 17576681; PubMed 9536098.